The following is an entry in ClinVar:

NM_138413.4(HOGA1):c.844C>T (p.Arg282Cys)

Gene: HOGA1 (4-hydroxy-2-oxoglutarate aldolase 1; plus strand). Cytogenetic location: 10q24.2.
Variant type: single nucleotide variant.
Coding change: c.844C>T on transcript NM_138413.4 (MANE Select); coding-DNA position 844, C replaced by T.
Protein change: p.Arg282Cys; replaces arginine 282 with cysteine.
Molecular consequence: missense variant.
Genome position (GRCh38, 1-based): chr10:97,611,519, C>T. VCF-style: chr10-97611519-C-T. GRCh37 (hg19) VCF-style: chr10-99371276-C-T.
Other names: c.355C>T, p.Arg119Cys (NM_001134670.2); short protein forms R119C, R282C.
Identifiers: ClinVar variation 2664408 (VCV002664408.1), dbSNP rs553573861, ClinGen allele CA377983214.

ClinVar aggregate classification (germline): Likely pathogenic (1 of 4 stars; one submission).

Conditions:
Primary hyperoxaluria type 3. Also called: PH III. Identifiers: Orphanet 416, Orphanet 93600, MedGen C3150878, MONDO:0013327, OMIM 613616. Disease mechanism: loss of function.

Allele frequency attached by ClinVar (database versions not stated): TOPMed 0.00001.

Submission:

Clinical Biochemistry Laboratory, Health Services Laboratory
Classification: Likely pathogenic for Primary hyperoxaluria type 3. Last evaluated: 2023-10-27. Review status: criteria provided, single submitter. Criteria: ACMG Guidelines, 2015. Collection method: curation. Allele origin: germline. Affected: yes.
Comment: ACMG:PM1 PM2 PP3 PP4 BP1

Literature cited by the submitters: PubMed 33350326.